The following is an entry in ClinVar:

NM_001258392.3(CLPB):c.1307T>C (p.Ile436Thr)

Genes: CLPB (ClpB family mitochondrial disaggregase; minus strand), LOC126861258 (MED14-independent group 3 enhancer GRCh37_chr11:72012242-72013441; plus strand). Cytogenetic location: 11q13.4.
Variant type: single nucleotide variant.
Coding change: c.1307T>C on transcript NM_001258392.3 (MANE Select); coding-DNA position 1307, T replaced by C.
Protein change: p.Ile436Thr; replaces isoleucine 436 with threonine.
Molecular consequence: missense variant.
Genome position (GRCh38, 1-based): chr11:72,301,825, A>G on the plus strand (T>C on the coding strand, the complement: CLPB is on the minus strand). VCF-style: chr11-72301825-A-G. GRCh37 (hg19) VCF-style: chr11-72012869-A-G.
Other names: c.1220T>C, p.Ile407Thr (NM_001258393.3); c.1262T>C, p.Ile421Thr (NM_001258394.3); c.1397T>C, p.Ile466Thr (NM_030813.6); short protein forms I466T, I421T, I407T, I436T.
Identifiers: ClinVar variation 3673539 (VCV003673539.2).

ClinVar aggregate classification (germline): Uncertain significance (1 of 4 stars; one submission).

Conditions:
3-methylglutaconic aciduria, type VIIB (MGCA7B). Also called: 3-methylglutaconic aciduria, type VII, with cataracts, neurologic involvement and neutropenia; CLPB Deficiency; 3-methylglutaconic aciduria with cataracts, neurologic involvement and neutropenia. Identifiers: Orphanet 445038, MedGen C5676893, MONDO:0014561, OMIM 616271.

Submission:

Labcorp Genetics (formerly Invitae), Labcorp
Classification: Uncertain significance for 3-methylglutaconic aciduria, type VIIB. Last evaluated: 2024-04-29. Review status: criteria provided, single submitter. Criteria: Invitae Variant Classification Sherloc (09022015). Collection method: clinical testing. Allele origin: germline.
Comment: This sequence change replaces isoleucine, which is neutral and non-polar, with threonine, which is neutral and polar, at codon 466 of the CLPB protein (p.Ile466Thr). This variant is not present in population databases (gnomAD no frequency). This variant has not been reported in the literature in individuals affected with CLPB-related conditions. An algorithm developed to predict the effect of missense changes on protein structure and function (PolyPhen-2) suggests that this variant is likely to be disruptive. In summary, the available evidence is currently insufficient to determine the role of this variant in disease. Therefore, it has been classified as a Variant of Uncertain Significance.